The following is an entry in ClinVar:

NM_001330288.2(SMARCC2):c.1810C>A (p.Gln604Lys)

Gene: SMARCC2 (SWI/SNF related BAF chromatin remodeling complex subunit C2; minus strand). Cytogenetic location: 12q13.2.
Variant type: single nucleotide variant.
Coding change: c.1810C>A on transcript NM_001330288.2 (MANE Select); coding-DNA position 1810, C replaced by A.
Protein change: p.Gln604Lys; replaces glutamine 604 with lysine.
Molecular consequence: missense variant.
Genome position (GRCh38, 1-based): chr12:56,172,638, G>T on the plus strand (C>A on the coding strand, the complement: SMARCC2 is on the minus strand). VCF-style: chr12-56172638-G-T. GRCh37 (hg19) VCF-style: chr12-56566422-G-T.
Other names: c.1810C>A, p.Gln604Lys (NM_001130420.3, NM_139067.4); c.1717C>A, p.Gln573Lys (NM_003075.5); short protein forms Q573K, Q604K.
Identifiers: ClinVar variation 4689101 (VCV004689101.1).
Genomic context (GRCh38, chr12:56,172,638, plus strand): 5'-CTCCTACCTTGGAGGGAACATTCTTTTTTGTGTACATGTCTGTGCGCAGCCCAAAGTTTT[G>T]CATGTCTGTTGGTTTCTCTTTGCCTTTGTCAGGAAAGTTGAGCATTTGTTGGGAAGCAGA-3'
Protein context (NP_001317217.1, residues 594-614): DKGKEKPTDM[Gln604Lys]NFGLRTDMYT

ClinVar aggregate classification (germline): Uncertain significance (1 of 4 stars; one submission).

gnomAD v4.1: 1 of 1,614,078 alleles (0.000062%); no homozygotes.

Submission:

Women's Health and Genetics/Laboratory Corporation of America, LabCorp
Classification: Uncertain significance. Last evaluated: 2026-01-22. Review status: criteria provided, single submitter. Criteria: LabCorp Variant Classification Summary - May 2015. Collection method: clinical testing. Allele origin: germline.
Comment: Variant summary: SMARCC2 c.1717C>A (p.Gln573Lys) results in a conservative amino acid change in the encoded protein sequence. Algorithms developed to predict the effect of missense changes on protein structure and function are either unavailable or do not agree on the potential impact of this missense change. The variant was absent in 251490 control chromosomes. The available data on variant occurrences in the general population are insufficient to allow any conclusion about variant significance. To our knowledge, no occurrence of c.1717C>A in individuals affected with SMARCC2-related conditions and no experimental evidence demonstrating its impact on protein function have been reported. No submitters have cited clinical-significance assessments for this variant to ClinVar. Based on the evidence outlined above, the variant was classified as uncertain significance.